The following is an entry in ClinVar:

NM_032043.3(BRIP1):c.2407C>T (p.His803Tyr)

Gene: BRIP1 (BRCA1 interacting DNA helicase 1; minus strand). Cytogenetic location: 17q23.2.
Variant type: single nucleotide variant.
Coding change: c.2407C>T on transcript NM_032043.3 (MANE Select); coding-DNA position 2407, C replaced by T.
Protein change: p.His803Tyr; replaces histidine 803 with tyrosine.
Molecular consequence: missense variant.
Genome position (GRCh38, 1-based): chr17:61,716,036, G>A on the plus strand (C>T on the coding strand, the complement: BRIP1 is on the minus strand). VCF-style: chr17-61716036-G-A. GRCh37 (hg19) VCF-style: chr17-59793397-G-A.
Other names: short protein forms H803Y.
Identifiers: ClinVar variation 838865 (VCV000838865.10), dbSNP rs2061856155, ClinGen allele CA400479750.

ClinVar aggregate classification (germline): Uncertain significance (1 of 4 stars; one submission).

Conditions:
Familial cancer of breast. Also called: BREAST CANCER, FAMILIAL; hereditary breast carcinoma; Hereditary breast cancer. Identifiers: Orphanet 227535, MedGen C0346153, MONDO:0016419, OMIM 114480. Disease mechanism: loss of function.
Fanconi anemia complementation group J. Also called: BRIP1-Related Fanconi Anemia. Identifiers: Orphanet 84, MedGen C1836860, MONDO:0012187, OMIM 609054.

Submission:

Labcorp Genetics (formerly Invitae), Labcorp
Classification: Uncertain significance for Familial cancer of breast; Fanconi anemia complementation group J. Last evaluated: 2019-01-29. Review status: criteria provided, single submitter. Criteria: Invitae Variant Classification Sherloc (09022015). Collection method: clinical testing. Allele origin: germline.
Comment: In summary, the available evidence is currently insufficient to determine the role of this variant in disease. Therefore, it has been classified as a Variant of Uncertain Significance. This sequence change replaces histidine with tyrosine at codon 803 of the BRIP1 protein (p.His803Tyr). The histidine residue is weakly conserved and there is a moderate physicochemical difference between histidine and tyrosine. This variant is not present in population databases (ExAC no frequency). This variant has not been reported in the literature in individuals with BRIP1-related conditions. Algorithms developed to predict the effect of missense changes on protein structure and function (SIFT, PolyPhen-2, Align-GVGD) all suggest that this variant is likely to be tolerated, but these predictions have not been confirmed by published functional studies and their clinical significance is uncertain.